The following is an entry in ClinVar:

ClinVar aggregate classification (germline): Uncertain significance (1 of 4 stars; one submission).

Conditions:
Inborn genetic diseases. Identifiers: MedGen C0950123, MeSH D030342.

Submission:

Ambry Genetics
Classification: Uncertain significance for Inborn genetic diseases. Last evaluated: 2026-04-12. Review status: criteria provided, single submitter. Criteria: Ambry Variant Classification Scheme 2023. Collection method: clinical testing. Allele origin: germline.
Comment: The p.S348C variant (also known as c.1042A>T), located in coding exon 1 of the CEBPA gene, results from an A to T substitution at nucleotide position 1042. The serine at codon 348 is replaced by cysteine, an amino acid with dissimilar properties. This amino acid position is conserved. In addition, this alteration is predicted to be tolerated by in silico analysis. Based on the available evidence, the clinical significance of this variant remains unclear.

NM_004364.5(CEBPA):c.1042A>T (p.Ser348Cys)

Gene: CEBPA (CCAAT enhancer binding protein alpha; minus strand). Cytogenetic location: 19q13.11.
Variant type: single nucleotide variant.
Coding change: c.1042A>T on transcript NM_004364.5 (MANE Select); coding-DNA position 1042, A replaced by T.
Protein change: p.Ser348Cys; replaces serine 348 with cysteine.
Molecular consequence: missense variant.
Genome position (GRCh38, 1-based): chr19:33,301,373, T>A on the plus strand (A>T on the coding strand, the complement: CEBPA is on the minus strand). VCF-style: chr19-33301373-T-A. GRCh37 (hg19) VCF-style: chr19-33792279-T-A.
Other names: c.685A>T, p.Ser229Cys (NM_001285829.2); c.1147A>T, p.Ser383Cys (NM_001287424.2); c.1000A>T, p.Ser334Cys (NM_001287435.2); short protein forms S229C, S334C, S348C, S383C.
Identifiers: ClinVar variation 4868672 (VCV004868672.1).